The following is an entry in ClinVar:

NM_001130004.2(ACTN1):c.1049G>A (p.Arg350Gln)

Gene: ACTN1 (actinin alpha 1; minus strand). Cytogenetic location: 14q24.1.
Variant type: single nucleotide variant.
Coding change: c.1049G>A on transcript NM_001130004.2 (MANE Select); coding-DNA position 1049, G replaced by A.
Protein change: p.Arg350Gln; replaces arginine 350 with glutamine.
Molecular consequence: missense variant.
Genome position (GRCh38, 1-based): chr14:68,892,090, C>T on the plus strand (G>A on the coding strand, the complement: ACTN1 is on the minus strand). VCF-style: chr14-68892090-C-T. GRCh37 (hg19) VCF-style: chr14-69358807-C-T.
Other names: c.1049G>A, p.Arg350Gln (NM_001102.4, NM_001130005.2, NM_001411035.1 and 9 more transcripts); c.854G>A, p.Arg285Gln (NM_001411036.1, NM_001424026.1, NM_001424028.1); c.1175G>A, p.Arg392Gln (NM_001424013.1); c.1136G>A, p.Arg379Gln (NM_001424015.1); c.1046G>A, p.Arg349Gln (NM_001424017.1); c.986G>A, p.Arg329Gln (NM_001424018.1, NM_001424020.1, NM_001424022.1); c.980G>A, p.Arg327Gln (NM_001424021.1); c.224G>A, p.Arg75Gln (NM_001424030.1); short protein forms R285Q, R327Q, R329Q, R349Q, R350Q, R379Q, R392Q, R75Q.
Identifiers: ClinVar variation 3620393 (VCV003620393.2).
Genomic context (GRCh38, chr14:68,892,090, plus strand): 5'-CCAGGCTCACCCCCAGTGCTCACCGAGACCATCCTGCCCTCAGAGGGCATGAAGGCAGGC[C>T]GGTTGCTGAGCCGCAGCTTGGTCTGCAGCGTGTTGAAGTTGATCTCCAGCTGGCACTTCT-3'
Protein context (NP_001123476.1, residues 340-360): TLQTKLRLSN[Arg350Gln]PAFMPSEGRM

ClinVar aggregate classification (germline): Uncertain significance (1 of 4 stars; one submission).

Submission:

Labcorp Genetics (formerly Invitae), Labcorp
Classification: Uncertain significance. Last evaluated: 2024-03-01. Review status: criteria provided, single submitter. Criteria: Invitae Variant Classification Sherloc (09022015). Collection method: clinical testing. Allele origin: germline.
Comment: This sequence change replaces arginine, which is basic and polar, with glutamine, which is neutral and polar, at codon 350 of the ACTN1 protein (p.Arg350Gln). This variant is not present in population databases (gnomAD no frequency). This variant has not been reported in the literature in individuals affected with ACTN1-related conditions. Advanced modeling of protein sequence and biophysical properties (such as structural, functional, and spatial information, amino acid conservation, physicochemical variation, residue mobility, and thermodynamic stability) has been performed at Invitae for this missense variant, however the output from this modeling did not meet the statistical confidence thresholds required to predict the impact of this variant on ACTN1 protein function. In summary, the available evidence is currently insufficient to determine the role of this variant in disease. Therefore, it has been classified as a Variant of Uncertain Significance.